The following is an entry in ClinVar:

NM_020822.3(KCNT1):c.2206G>A (p.Val736Met)

Gene: KCNT1 (potassium sodium-activated channel subfamily T member 1; plus strand). Cytogenetic location: 9q34.3.
Variant type: single nucleotide variant.
Coding change: c.2206G>A on transcript NM_020822.3 (MANE Select); coding-DNA position 2206, G replaced by A.
Protein change: p.Val736Met; replaces valine 736 with methionine.
Molecular consequence: missense variant.
Genome position (GRCh38, 1-based): chr9:135,772,912, G>A. VCF-style: chr9-135772912-G-A. GRCh37 (hg19) VCF-style: chr9-138664758-G-A.
Other names: c.2071G>A, p.Val691Met (NM_001272003.2); short protein forms V691M, V736M.
Identifiers: ClinVar variation 2502485 (VCV002502485.1), dbSNP rs760064288, ClinGen allele CA5327208.

ClinVar aggregate classification (germline): Uncertain significance (1 of 4 stars; one submission).

Allele frequency attached by ClinVar (database versions not stated): ExAC 0.00006.
gnomAD v4.1: 3 of 1,538,612 alleles (0.00019%); highest among the groups gnomAD compares: South Asian, 0.0024%; no homozygotes.

Submission:

GeneDx
Classification: Uncertain significance. Last evaluated: 2022-11-17. Review status: criteria provided, single submitter. Criteria: GeneDx Variant Classification Process June 2021. Collection method: clinical testing. Allele origin: germline. Affected: yes.
Comment: Not observed at significant frequency in large population cohorts (gnomAD); In silico analysis supports that this missense variant does not alter protein structure/function; Has not been previously published as pathogenic or benign to our knowledge